The following is an entry in ClinVar:

NM_001364905.1(LRBA):c.2165G>A (p.Arg722His)

Gene: LRBA (LPS responsive beige-like anchor protein; minus strand). Cytogenetic location: 4q31.3.
Variant type: single nucleotide variant.
Coding change: c.2165G>A on transcript NM_001364905.1 (MANE Select); coding-DNA position 2165, G replaced by A.
Protein change: p.Arg722His; replaces arginine 722 with histidine.
Molecular consequence: missense variant.
Genome position (GRCh38, 1-based): chr4:150,893,052, C>T on the plus strand (G>A on the coding strand, the complement: LRBA is on the minus strand). VCF-style: chr4-150893052-C-T. GRCh37 (hg19) VCF-style: chr4-151814204-C-T.
Other names: c.2165G>A, p.Arg722His (NM_001199282.3, NM_001367550.1, NM_006726.5); short protein forms R722H.
Identifiers: ClinVar variation 1061641 (VCV001061641.9), dbSNP rs777764576, ClinGen allele CA3103350.
Genomic context (GRCh38, chr4:150,893,052, plus strand): 5'-AAGAAGCTTTCAAATATTTCCAAACTAATCCCTTATATGAAATAGATTAAAAACTCTTAC[C>T]GTAACCCATTCCTTTGGTCAAAAGCAGGAATCATAGAGTTAGGGTGTTCTGACATTAATG-3'
Protein context (NP_001351834.1, residues 712-732): IPAFDQRNGL[Arg722His]VIYKLLASKS

ClinVar aggregate classification (germline): Uncertain significance (1 of 4 stars; one submission).

Conditions:
Combined immunodeficiency due to LRBA deficiency. Also called: Common variable immunodeficiency 8, with autoimmunity. Identifiers: Orphanet 445018, MedGen C3553512, MONDO:0013863, OMIM 614700.

Allele frequency attached by ClinVar (database versions not stated): gnomAD exomes below 0.00001; ExAC 0.00001.
gnomAD v4.1: 4 of 1,592,534 alleles (0.00025%); highest among the groups gnomAD compares: Non-Finnish European, 0.00034%; no homozygotes.

Submission:

Labcorp Genetics (formerly Invitae), Labcorp
Classification: Uncertain significance for Combined immunodeficiency due to LRBA deficiency. Last evaluated: 2020-04-23. Review status: criteria provided, single submitter. Criteria: Invitae Variant Classification Sherloc (09022015). Collection method: clinical testing. Allele origin: germline.
Comment: This sequence change replaces arginine with histidine at codon 722 of the LRBA protein (p.Arg722His). The arginine residue is weakly conserved and there is a small physicochemical difference between arginine and histidine. This variant also falls at the last nucleotide of exon 17 of the LRBA coding sequence, which is part of the consensus splice site for this exon. This variant is present in population databases (rs777764576, ExAC 0.002%). This variant has not been reported in the literature in individuals with LRBA-related conditions. Algorithms developed to predict the effect of missense changes on protein structure and function are either unavailable or do not agree on the potential impact of this missense change (SIFT: "Tolerated"; PolyPhen-2: "Possibly Damaging"; Align-GVGD: "Class C0"). Nucleotide substitutions within the consensus splice site are a relatively common cause of aberrant splicing (PMID: 17576681, 9536098). Algorithms developed to predict the effect of sequence changes on RNA splicing suggest that this variant may disrupt the consensus splice site, but this prediction has not been confirmed by published transcriptional studies. In summary, the available evidence is currently insufficient to determine the role of this variant in disease. Therefore, it has been classified as a Variant of Uncertain Significance.

Literature cited by the submitters: PubMed 17576681; PubMed 9536098.